The following is an entry in ClinVar:

NM_013254.4(TBK1):c.1879A>G (p.Arg627Gly)

Gene: TBK1 (TANK binding kinase 1; plus strand). Cytogenetic location: 12q14.2.
Variant type: single nucleotide variant.
Coding change: c.1879A>G on transcript NM_013254.4 (MANE Select); coding-DNA position 1879, A replaced by G.
Protein change: p.Arg627Gly; replaces arginine 627 with glycine.
Molecular consequence: missense variant.
Genome position (GRCh38, 1-based): chr12:64,497,179, A>G. VCF-style: chr12-64497179-A-G. GRCh37 (hg19) VCF-style: chr12-64890959-A-G.
Other names: short protein forms R627G.
Identifiers: ClinVar variation 2707383 (VCV002707383.3), dbSNP rs2539537446, ClinGen allele CA385606044.
Genomic context (GRCh38, chr12:64,497,179, plus strand): 5'-TGCTTCACTAGACTGCATATCAATTGATTCTTTTTGGTTTTCAGAAAGATGCTTCATCTT[A>G]GGAAACAGTTATTATCGCTGACTAATCAGTGTTTTGATATTGAAGAAGAAGTATCAAAAT-3'
Protein context (NP_037386.1, residues 617-637): EEWIRKMLHL[Arg627Gly]KQLLSLTNQC

ClinVar aggregate classification (germline): Uncertain significance (1 of 4 stars; one submission).

Conditions:
Frontotemporal dementia and/or amyotrophic lateral sclerosis 4. Also called: FTDALS4. Identifiers: Orphanet 275872, MedGen C4225325, MONDO:0014641, OMIM 616439.

Submission:

Labcorp Genetics (formerly Invitae), Labcorp
Classification: Uncertain significance for Frontotemporal dementia and/or amyotrophic lateral sclerosis 4. Last evaluated: 2024-01-04. Review status: criteria provided, single submitter. Criteria: Invitae Variant Classification Sherloc (09022015). Collection method: clinical testing. Allele origin: germline.
Comment: This sequence change replaces arginine, which is basic and polar, with glycine, which is neutral and non-polar, at codon 627 of the TBK1 protein (p.Arg627Gly). This variant is not present in population databases (gnomAD no frequency). This variant has not been reported in the literature in individuals affected with TBK1-related conditions. Advanced modeling of protein sequence and biophysical properties (such as structural, functional, and spatial information, amino acid conservation, physicochemical variation, residue mobility, and thermodynamic stability) performed at Invitae indicates that this missense variant is not expected to disrupt TBK1 protein function with a negative predictive value of 95%. In summary, the available evidence is currently insufficient to determine the role of this variant in disease. Therefore, it has been classified as a Variant of Uncertain Significance.